The following is an entry in ClinVar:

NM_006946.4(SPTBN2):c.4116C>T (p.Thr1372=)

Gene: SPTBN2 (spectrin beta, non-erythrocytic 2; minus strand). Cytogenetic location: 11q13.2.
Variant type: single nucleotide variant.
Coding change: c.4116C>T on transcript NM_006946.4 (MANE Select); coding-DNA position 4116, C replaced by T.
Protein change: p.Thr1372=; no amino-acid change (threonine 1372 retained).
Molecular consequence: synonymous variant.
Genome position (GRCh38, 1-based): chr11:66,696,439, G>A on the plus strand (C>T on the coding strand, the complement: SPTBN2 is on the minus strand). VCF-style: chr11-66696439-G-A. GRCh37 (hg19) VCF-style: chr11-66463910-G-A.
Other names: c.4137C>T, p.Thr1379= (NM_001411025.1); c.4116C>T, p.Thr1372= (NM_001437541.1).
Identifiers: ClinVar variation 5039586 (VCV005039586.1).

ClinVar aggregate classification (germline): Likely benign (1 of 4 stars; one submission).

Submission:

CeGaT Center for Human Genetics Tuebingen
Classification: Likely benign. Last evaluated: 2026-07-01. Review status: criteria provided, single submitter. Criteria: CeGaT Center For Human Genetics Tuebingen Variant Classification Criteria Version 2. Collection method: clinical testing. Allele origin: germline. Affected: yes. Observed: 1 variant allele.
Comment: SPTBN2: BP4, BP7